The following is an entry in ClinVar:

NM_000350.3(ABCA4):c.4406A>G (p.Asn1469Ser)

Gene: ABCA4 (ATP binding cassette subfamily A member 4; minus strand). Cytogenetic location: 1p22.1.
Variant type: single nucleotide variant.
Coding change: c.4406A>G on transcript NM_000350.3 (MANE Select); coding-DNA position 4406, A replaced by G.
Protein change: p.Asn1469Ser; replaces asparagine 1469 with serine.
Molecular consequence: missense variant.
Genome position (GRCh38, 1-based): chr1:94,029,578, T>C on the plus strand (A>G on the coding strand, the complement: ABCA4 is on the minus strand). VCF-style: chr1-94029578-T-C. GRCh37 (hg19) VCF-style: chr1-94495134-T-C.
Other names: c.4184A>G, p.Asn1395Ser (NM_001425324.1); short protein forms N1469S, N1395S.
Identifiers: ClinVar variation 1306003 (VCV001306003.2), dbSNP rs745321062, ClinGen allele CA957610.

ClinVar aggregate classification (germline): Uncertain significance (1 of 4 stars; one submission).

Allele frequency attached by ClinVar (database versions not stated): ExAC 0.00001.
gnomAD v4.1: 1 of 1,614,006 alleles (0.000062%); highest among the groups gnomAD compares: Non-Finnish European, 0.000085%; no homozygotes.

Submission:

GeneDx
Classification: Uncertain significance. Last evaluated: 2019-06-07. Review status: criteria provided, single submitter. Criteria: GeneDx Variant Classification Process June 2021. Collection method: clinical testing. Allele origin: germline. Affected: yes.
Comment: Not observed at a significant frequency in large population cohorts (Lek et al., 2016); In silico analysis, which includes protein predictors and evolutionary conservation, supports that this variant does not alter protein structure/function; In-silico analysis, which includes splice predictors and evolutionary conservation, is inconclusive as to whether the variant alters gene splicing. In the absence of RNA/functional studies, the actual effect of this sequence change is unknown.; Has not been previously published as pathogenic or benign to our knowledge